The following is an entry in ClinVar:

NM_006586.5(CNPY3):c.774C>T (p.Pro258=)

Genes: CNPY3 (canopy FGF signaling regulator 3; plus strand), CNPY3-GNMT (CNPY3-GNMT readthrough; plus strand). Cytogenetic location: 6p21.1.
Variant type: single nucleotide variant.
Coding change: c.774C>T on transcript NM_006586.5 (MANE Select); coding-DNA position 774, C replaced by T.
Protein change: p.Pro258=; no amino-acid change (proline 258 retained).
Molecular consequence: synonymous variant. On other transcripts: non-coding transcript variant (4), intron variant (3).
Genome position (GRCh38, 1-based): chr6:42,938,728, C>T. VCF-style: chr6-42938728-C-T. GRCh37 (hg19) VCF-style: chr6-42906466-C-T.
Other names: c.873C>T, p.Pro291= (NM_001318842.1); c.507C>T, p.Pro169= (NM_001318845.1); c.8+9007C>T (NM_001318856.2); c.151+9007C>T (NM_001318857.2, NM_001318858.2).
Identifiers: ClinVar variation 3032401 (VCV003032401.2), dbSNP rs1256509421, ClinGen allele CA450256317.

ClinVar aggregate classification (germline): Likely benign (0 of 4 stars; one submission).

Conditions:
CNPY3-related disorder. Also called: CNPY3-related condition.

Allele frequency attached by ClinVar (database versions not stated): gnomAD 0.00002; TOPMed 0.00002.
gnomAD v4.1: 66 of 1,613,742 alleles (0.0041%); highest among the groups gnomAD compares: Non-Finnish European, 0.0052%; no homozygotes.

Submission:

PreventionGenetics, part of Exact Sciences
Classification: Likely benign for CNPY3-related condition. Last evaluated: 2021-01-04. Review status: no assertion criteria provided. Collection method: clinical testing. Allele origin: germline.
Comment: This variant is classified as likely benign based on ACMG/AMP sequence variant interpretation guidelines (Richards et al. 2015 PMID: 25741868, with internal and published modifications).